The following is an entry in ClinVar:

ClinVar aggregate classification (germline): Uncertain significance. Review status: criteria provided, multiple submitters, no conflicts (2 of 4 stars). 2 submissions from 2 submitters: Uncertain significance (2). Last evaluated 2023-12-01.

Conditions:
Inborn genetic diseases. Identifiers: MedGen C0950123, MeSH D030342.

Allele frequency attached by ClinVar (database versions not stated): gnomAD exomes below 0.00001; TOPMed below 0.00001; gnomAD 0.00001; ExAC 0.00002; ESP Exome Variant Server 0.00008.
gnomAD v4.1: 4 of 1,613,534 alleles (0.00025%); highest among the groups gnomAD compares: Middle Eastern, 0.016%; no homozygotes.

Submissions (2):

Labcorp Genetics (formerly Invitae), Labcorp
Classification: Uncertain significance. Last evaluated: 2023-12-01. Review status: criteria provided, single submitter. Criteria: Invitae Variant Classification Sherloc (09022015). Collection method: clinical testing. Allele origin: germline.
Comment: This sequence change replaces glycine, which is neutral and non-polar, with aspartic acid, which is acidic and polar, at codon 864 of the CDH2 protein (p.Gly864Asp). This variant is present in population databases (rs200803866, gnomAD 0.004%). This variant has not been reported in the literature in individuals affected with CDH2-related conditions. ClinVar contains an entry for this variant (Variation ID: 1950095). An algorithm developed to predict the effect of missense changes on protein structure and function (PolyPhen-2) suggests that this variant is likely to be disruptive. In summary, the available evidence is currently insufficient to determine the role of this variant in disease. Therefore, it has been classified as a Variant of Uncertain Significance.

Ambry Genetics
Classification: Uncertain significance for Inborn genetic diseases. Last evaluated: 2023-04-13. Review status: criteria provided, single submitter. Criteria: Ambry Variant Classification Scheme 2023. Collection method: clinical testing. Allele origin: germline.
Comment: The p.G864D variant (also known as c.2591G>A), located in coding exon 16 of the CDH2 gene, results from a G to A substitution at nucleotide position 2591. The glycine at codon 864 is replaced by aspartic acid, an amino acid with similar properties. This amino acid position is conserved. In addition, this alteration is predicted to be deleterious by in silico analysis. Since supporting evidence is limited at this time, the clinical significance of this alteration remains unclear.

NM_001792.5(CDH2):c.2591G>A (p.Gly864Asp)

Genes: CDH2 (cadherin 2; minus strand), CDH2-AS1 (CDH2 antisense RNA 1; plus strand). Cytogenetic location: 18q12.1.
Variant type: single nucleotide variant.
Coding change: c.2591G>A on transcript NM_001792.5 (MANE Select); coding-DNA position 2591, G replaced by A.
Protein change: p.Gly864Asp; replaces glycine 864 with aspartic acid.
Molecular consequence: missense variant.
Genome position (GRCh38, 1-based): chr18:27,952,283, C>T on the plus strand (G>A on the coding strand, the complement: CDH2 is on the minus strand). VCF-style: chr18-27952283-C-T. GRCh37 (hg19) VCF-style: chr18-25532247-C-T.
Other names: c.2498G>A, p.Gly833Asp (NM_001308176.2); c.2591G>A (NM_001792.3); short protein forms G833D, G864D.
Identifiers: ClinVar variation 1950095 (VCV001950095.7), dbSNP rs200803866, ClinGen allele CA8923106.